The following is an entry in ClinVar:

ClinVar aggregate classification (germline): Uncertain significance (1 of 4 stars; one submission).

gnomAD v4.1: 10 of 1,206,250 alleles (0.00083%); highest among the groups gnomAD compares: South Asian, 0.018%; no homozygotes.

Submission:

Women's Health and Genetics/Laboratory Corporation of America, LabCorp
Classification: Uncertain significance. Last evaluated: 2025-06-11. Review status: criteria provided, single submitter. Criteria: LabCorp Variant Classification Summary - May 2015. Collection method: clinical testing. Allele origin: germline.
Comment: Variant summary: PGK1 c.15C>G (p.Asn5Lys) results in a non-conservative amino acid change in the encoded protein sequence. Algorithms developed to predict the effect of missense changes on protein structure and function are either unavailable or do not agree on the potential impact of this missense change. The variant allele was found at a frequency of 2.2e-05 in 182485 control chromosomes. The available data on variant occurrences in the general population are insufficient to allow any conclusion about variant significance. c.15C>G has been observed in individual(s) affected with Glycogen storage disease due to phosphoglycerate kinase 1 deficiency (Nandeesh_2025). These report(s) do not provide unequivocal conclusions about association of the variant with Glycogen storage disease due to phosphoglycerate kinase 1 deficiency. To our knowledge, no experimental evidence demonstrating an impact on protein function has been reported. The following publication have been ascertained in the context of this evaluation (PMID: 39787833). No submitters have cited clinical-significance assessments for this variant to ClinVar. Based on the evidence outlined above, the variant was classified as uncertain significance.

Literature cited by the submitters: PubMed 39787833.

NM_000291.4(PGK1):c.15C>G (p.Asn5Lys)

Gene: PGK1 (phosphoglycerate kinase 1; plus strand). Cytogenetic location: Xq21.1.
Variant type: single nucleotide variant.
Coding change: c.15C>G on transcript NM_000291.4 (MANE Select); coding-DNA position 15, C replaced by G.
Protein change: p.Asn5Lys; replaces asparagine 5 with lysine.
Molecular consequence: missense variant.
Genome position (GRCh38, 1-based): chrX:78,104,355, C>G. VCF-style: chrX-78104355-C-G. GRCh37 (hg19) VCF-style: chrX-77359852-C-G.
Other names: short protein forms N5K.
Identifiers: ClinVar variation 3907187 (VCV003907187.1).